The following is an entry in ClinVar:

NM_173560.4(RFX6):c.2184G>C (p.Met728Ile)

Gene: RFX6 (regulatory factor X6; plus strand). Cytogenetic location: 6q22.1.
Variant type: single nucleotide variant.
Coding change: c.2184G>C on transcript NM_173560.4 (MANE Select); coding-DNA position 2184, G replaced by C.
Protein change: p.Met728Ile; replaces methionine 728 with isoleucine.
Molecular consequence: missense variant.
Genome position (GRCh38, 1-based): chr6:116,927,325, G>C. VCF-style: chr6-116927325-G-C. GRCh37 (hg19) VCF-style: chr6-117248488-G-C.
Other names: short protein forms M728I.
Identifiers: ClinVar variation 4991874 (VCV004991874.1).
Genomic context (GRCh38, chr6:116,927,325, plus strand): 5'-GGCACAGCCCCACTCCACATCAGGACTCTATCCTCATCACACCGAGCATGGTCGATGCAT[G>C]GCTTGGACTGAACAGCAGCTTTCAAGAGACTTCTTCAGTGGCAGCTGTGCGGGGTCTCCA-3'
Protein context (NP_775831.2, residues 718-738): YPHHTEHGRC[Met728Ile]AWTEQQLSRD

ClinVar aggregate classification (germline): Uncertain significance (1 of 4 stars; one submission).

Conditions:
RFX6-related disorder. Also called: RFX6-related condition.

Submission:

PreventionGenetics, part of Exact Sciences
Classification: Uncertain significance for RFX6-related condition. Last evaluated: 2026-03-24. Review status: criteria provided, single submitter. Criteria: ACMG Guidelines, 2015. Collection method: clinical testing. Allele origin: germline.
Comment: The RFX6 c.2184G>C variant is predicted to result in the amino acid substitution p.Met728Ile. To our knowledge, this variant has not been reported in the literature or in a large population database (gnomAD), indicating this variant is rare. At this time, the clinical significance of this variant is uncertain due to the absence of conclusive functional and genetic evidence.